The following is an entry in ClinVar:

NM_004364.5(CEBPA):c.406G>A (p.Ala136Thr)

Gene: CEBPA (CCAAT enhancer binding protein alpha; minus strand). Cytogenetic location: 19q13.11.
Variant type: single nucleotide variant.
Coding change: c.406G>A on transcript NM_004364.5 (MANE Select); coding-DNA position 406, G replaced by A.
Protein change: p.Ala136Thr; replaces alanine 136 with threonine.
Molecular consequence: missense variant.
Genome position (GRCh38, 1-based): chr19:33,302,009, C>T on the plus strand (G>A on the coding strand, the complement: CEBPA is on the minus strand). VCF-style: chr19-33302009-C-T. GRCh37 (hg19) VCF-style: chr19-33792915-C-T.
Other names: c.49G>A, p.Ala17Thr (NM_001285829.2); c.511G>A, p.Ala171Thr (NM_001287424.2); c.364G>A, p.Ala122Thr (NM_001287435.2); c.406G>A (NM_004364.3); short protein forms A171T, A17T, A122T, A136T.
Identifiers: ClinVar variation 854299 (VCV000854299.11), dbSNP rs1172993204, ClinGen allele CA405275022.

ClinVar aggregate classification (germline): Conflicting classifications of pathogenicity. Review status: criteria provided, conflicting classifications (1 of 4 stars). 3 submissions from 3 submitters: Uncertain significance (2); Likely benign (1). Last evaluated 2025-02-21.

Conditions:
Acute myeloid leukemia (AML). Also called: Acute myeloid leukemia, adult; AML adult; Acute non-lymphocytic leukemia; Acute granulocytic leukemia; Leukemia, acute myeloid, somatic; Leukemia, acute myelogenous, somatic. Identifiers: Orphanet 519, MedGen C0023467, MeSH D015470, MONDO:0018874, OMIM 601626, HP:0004808. Disease mechanism: Constitutively activated FLT3.
Inborn genetic diseases. Identifiers: MedGen C0950123, MeSH D030342.

Allele frequency attached by ClinVar (database versions not stated): gnomAD exomes 0.00001; TOPMed 0.00001.

Submissions (3):

Ambry Genetics
Classification: Likely benign for Inborn genetic diseases. Last evaluated: 2025-02-21. Review status: criteria provided, single submitter. Criteria: Ambry Variant Classification Scheme 2023. Collection method: clinical testing. Allele origin: germline.

Labcorp Genetics (formerly Invitae), Labcorp
Classification: Uncertain significance for Acute myeloid leukemia. Last evaluated: 2024-08-08. Review status: criteria provided, single submitter. Criteria: Invitae Variant Classification Sherloc (09022015). Collection method: clinical testing. Allele origin: germline.
Comment: This sequence change replaces alanine, which is neutral and non-polar, with threonine, which is neutral and polar, at codon 136 of the CEBPA protein (p.Ala136Thr). This variant is present in population databases (no rsID available, gnomAD 0.02%). This variant has not been reported in the literature in individuals affected with CEBPA-related conditions. ClinVar contains an entry for this variant (Variation ID: 854299). Advanced modeling of protein sequence and biophysical properties (such as structural, functional, and spatial information, amino acid conservation, physicochemical variation, residue mobility, and thermodynamic stability) performed at Invitae indicates that this missense variant is not expected to disrupt CEBPA protein function with a negative predictive value of 80%. In summary, the available evidence is currently insufficient to determine the role of this variant in disease. Therefore, it has been classified as a Variant of Uncertain Significance.

GeneDx
Classification: Uncertain significance. Last evaluated: 2023-05-09. Review status: criteria provided, single submitter. Criteria: GeneDx Variant Classification Process June 2021. Collection method: clinical testing. Allele origin: germline.
Comment: In silico analysis supports that this missense variant does not alter protein structure/function; Has not been previously published as pathogenic or benign to our knowledge; This variant is associated with the following publications: (PMID: 21455213)